The following is an entry in ClinVar:

ClinVar aggregate classification (germline): Pathogenic/Likely pathogenic. Review status: criteria provided, multiple submitters, no conflicts (2 of 4 stars). 10 submissions from 10 submitters: Pathogenic (5); Likely pathogenic (4). 1 of the submissions does not count toward it. Last evaluated 2026-01-29.

Conditions:
AGL-related disorder. Also called: AGL-related condition.
Glycogen storage disease type III (GSD3). Also called: Cori disease; FORBES DISEASE. Identifiers: Orphanet 366, MedGen C0017922, MONDO:0009291, OMIM 232400.
Glycogen storage disease. Also called: glycogen storage disorder; Disorder of glycogen metabolism. Identifiers: Orphanet 79201, MedGen C0017919, MONDO:0002412.

Allele frequency attached by ClinVar (database versions not stated): gnomAD exomes 0.00004; ExAC 0.00005; ESP Exome Variant Server 0.00008; gnomAD 0.00009 and 0.00011; TOPMed 0.00009.
gnomAD v4.1: 37 of 1,613,000 alleles (0.0023%); highest among the groups gnomAD compares: African/African-American, 0.0067%; no homozygotes.

Submissions (10):

Natera, Inc.
Classification: Likely pathogenic for Glycogen storage disease type III. Last evaluated: 2026-01-29. Review status: criteria provided, single submitter. Criteria: Natera Variant Classification Schema (03/2026). Collection method: clinical testing. Allele origin: germline.
Comment: The c.4459C>T variant in AGL is a nonsense variant predicted to introduce a stop codon at amino acid 1487. This variant is expected to result in nonsense mediated decay, truncation, or a dysfunctional protein product. This variant is rare in the general population with a frequency below the threshold expected for the associated phenotype(s). This variant has been observed in one or more individuals affected with the associated recessive disease, as either homozygous or compound heterozygous with a second variant (PMID: 29374762). Given the available evidence, this variant is classified as Likely Pathogenic.

Labcorp Genetics (formerly Invitae), Labcorp
Classification: Pathogenic for Glycogen storage disease type III. Last evaluated: 2025-06-02. Review status: criteria provided, single submitter. Criteria: Invitae Variant Classification Sherloc (09022015). Collection method: clinical testing. Allele origin: germline.
Comment: This sequence change creates a premature translational stop signal (p.Arg1487*) in the AGL gene. While this is not anticipated to result in nonsense mediated decay, it is expected to disrupt the last 46 amino acid(s) of the AGL protein. This variant is present in population databases (rs12118058, gnomAD 0.008%). This premature translational stop signal has been observed in individual(s) with glycogen storage disease type III (PMID: 29374762). ClinVar contains an entry for this variant (Variation ID: 456508). This variant disrupts a region of the AGL protein in which other variant(s) (p.Tyr1510*) have been determined to be pathogenic (PMID: 8990006, 20071996, 20490926, 23430490). This suggests that this is a clinically significant region of the protein, and that variants that disrupt it are likely to be disease-causing. For these reasons, this variant has been classified as Pathogenic.

Women's Health and Genetics/Laboratory Corporation of America, LabCorp
Classification: Pathogenic for Glycogen storage disease type III. Last evaluated: 2024-08-16. Review status: criteria provided, single submitter. Criteria: LabCorp Variant Classification Summary - May 2015. Collection method: clinical testing. Allele origin: germline.
Comment: Variant summary: AGL c.4459C>T (p.Arg1487X) results in a premature termination codon, predicted to cause a truncation of the encoded protein or absence of the protein. This variant is not anticipated to result in nonsense mediated decay, however variants downstream from this position have been classified pathogenic internally or in ClinVar (CV IDS:1094, 656738). The variant allele was found at a frequency of 3.6e-05 in 250906 control chromosomes (gnomAD). c.4459C>T has been reported in the literature in a compound heterozygous individual affected with Glycogen Storage Disease (example: Quackenbush_2018). The following publications have been ascertained in the context of this evaluation (PMID: 31980526, 17994282, 29374762). ClinVar contains an entry for this variant (Variation ID: 456508). Based on the evidence outlined above, the variant was classified as pathogenic.

Baylor Genetics
Classification: Pathogenic for Glycogen storage disease type III. Last evaluated: 2024-03-16. Review status: criteria provided, single submitter. Criteria: ACMG Guidelines, 2015. Collection method: clinical testing. Allele origin: unknown.

Revvity Omics, Revvity
Classification: Pathogenic for Glycogen storage disease type III. Last evaluated: 2023-05-23. Review status: criteria provided, single submitter. Criteria: ACMG Guidelines, 2015. Collection method: clinical testing. Allele origin: germline.

Clinical Genomics Laboratory, Stanford Medicine
Classification: Likely pathogenic for Glycogen storage disease type III. Last evaluated: 2022-04-14. Review status: criteria provided, single submitter. Criteria: ACMG Guidelines, 2015. Collection method: clinical testing. Allele origin: germline. Inheritance: Autosomal recessive inheritance. Observed: 1 variant allele, 1 heterozygote.
Comment: The p.Arg1487* variant in the AGL gene has been previously reported in 1 individual with glycogen storage disease III who also carried a pathogenic variant (p.Trp1327*), consistent with autosomal recessive inheritance (Quackenbush et al., 2018). The presence of the p.Arg1487* variant with an established pathogenic variant increases suspicion for its pathogenicity. The p.Arg1487* variant has also been identified in 2/24,946 African/African American chromosomes by the Genome Aggregation Database. Although this variant has been seen in the general population, its frequency is low enough to be consistent with a recessive carrier frequency. This variant leads to a premature termination within the last 50 base pairs of the of penultimate exon of AGL. Premature termination at this location is not predicted to undergo nonsense-mediated decay, increasing the likelihood of an expressed protein. Multiple other reported disease-causing truncating variants, also predicted to escape nonsense-mediated decay, are located downstream of this variant. Loss of function is an established mechanism of disease for the AGL gene. These data were assessed using the ACMG/AMP variant interpretation guidelines. In summary, there is sufficient evidence to classify the p.Arg1487* variant as likely pathogenic for glycogen storage disease III in an autosomal recessive manner based on the information above. [ACMG evidence codes used: PVS1_Strong; PM2; PM3_Supporting]

Genome-Nilou Lab
Classification: Likely pathogenic for Glycogen storage disease type III. Last evaluated: 2021-07-15. Review status: criteria provided, single submitter. Criteria: ACMG Guidelines, 2015. Collection method: clinical testing. Allele origin: germline. Affected: no.

Blueprint Genetics
Classification: Pathogenic for AGL-related disorders. Last evaluated: 2021-05-11. Review status: criteria provided, single submitter. Criteria: ACMG Guidelines, 2015. Collection method: clinical testing. Allele origin: germline. Affected: yes. Observed: 2 variant alleles.

Laboratory for Molecular Medicine, Mass General Brigham Personalized Medicine
Classification: Likely pathogenic for Glycogen storage disease. Last evaluated: 2018-01-10. Review status: criteria provided, single submitter. Criteria: LMM Criteria. Collection method: clinical testing. Allele origin: germline. Inheritance: Autosomal recessive inheritance. Observed: 1 variant allele.
Comment: The p.Arg1487X variant in AGL has been reported in the compound heterozygous sta te in 1 individual with glycogen storage disorder type III (GSDIII; Quackenbush 2016). It has also been identified in 2/24018 African chromosomes by the Genome Aggregation Database (gnomAD; dbSNP rs12118058 ), which is low enough to be consistent with a recessive carrier frequency. This nonsense variant leads to a premature termination codon at position 1487. This alteration occurs within the terminal 50 bases of the second to last exon and is more likely to escape nonsense mediated decay (NMD) and result in a truncated p rotein. Many other truncating variants, which are also predicted to escape NMD a nd located in this region of the AGL gene, have been reported in affected indivi duals with deficient enzyme activity, suggesting that the carboxy terminus is es sential for normal enzyme function (Parvari 1997, Shen 1997, Rousseau-Nepton 201 5, Lu 2016). In summary, although additional studies are required to fully estab lish its clinical significance, the p.Arg1487X variant is likely pathogenic. ACM G/AMP Criteria applied: PVS1_Strong, PM3, PP4.

Counsyl
Classification: Likely pathogenic for Glycogen storage disease type III. Last evaluated: 2017-09-08. Review status: no assertion criteria provided. Collection method: clinical testing. Allele origin: unknown. Not counted in ClinVar's aggregate classification.

Literature cited by the submitters: PubMed 29374762 (cited by 4 submitters); PubMed 8990006 (cited by Labcorp Genetics (formerly Invitae), Labcorp and Laboratory for Molecular Medicine, Mass General Brigham Personalized Medicine); PubMed 20071996 (cited by Labcorp Genetics (formerly Invitae), Labcorp); PubMed 20490926 (cited by Labcorp Genetics (formerly Invitae), Labcorp); PubMed 23430490 (cited by Labcorp Genetics (formerly Invitae), Labcorp); PubMed 17994282 (cited by Women's Health and Genetics/Laboratory Corporation of America, LabCorp and Counsyl); PubMed 31980526 (cited by Women's Health and Genetics/Laboratory Corporation of America, LabCorp); PubMed 9412782 (cited by Laboratory for Molecular Medicine, Mass General Brigham Personalized Medicine); PubMed 26984562 (cited by Laboratory for Molecular Medicine, Mass General Brigham Personalized Medicine); PubMed 25602008 (cited by Laboratory for Molecular Medicine, Mass General Brigham Personalized Medicine).

NM_000642.3(AGL):c.4459C>T (p.Arg1487Ter)

Gene: AGL (amylo-alpha-1,6-glucosidase and 4-alpha-glucanotransferase; plus strand). Cytogenetic location: 1p21.2.
Variant type: single nucleotide variant.
Coding change: c.4459C>T on transcript NM_000642.3 (MANE Select); coding-DNA position 4459, C replaced by T.
Protein change: p.Arg1487Ter; replaces arginine 1487 with a stop codon.
Molecular consequence: nonsense.
Genome position (GRCh38, 1-based): chr1:99,916,709, C>T. VCF-style: chr1-99916709-C-T. GRCh37 (hg19) VCF-style: chr1-100382265-C-T.
Other names: c.4459C>T, p.Arg1487Ter (NM_000028.3, NM_000643.3, NM_000644.3 and 1 more transcripts); c.4411C>T, p.Arg1471Ter (NM_000646.3); c.4438C>T, p.Arg1480Ter (NM_001425326.1); c.4258C>T, p.Arg1420Ter (NM_001425327.1); c.4255C>T, p.Arg1419Ter (NM_001425328.1); c.4120C>T, p.Arg1374Ter (NM_001425329.1); c.4081C>T, p.Arg1361Ter (NM_001425332.1); short protein forms R1487*, R1471*, R1361*, R1374*, R1419*, R1420*, R1480*.
Identifiers: ClinVar variation 456508 (VCV000456508.29), dbSNP rs12118058, ClinGen allele CA967444.